The following is an entry in ClinVar:

ClinVar aggregate classification (germline): Uncertain significance. Review status: criteria provided, multiple submitters, no conflicts (2 of 4 stars). 2 submissions from 2 submitters: Uncertain significance (2). Last evaluated 2025-07-15.

Conditions:
Hereditary cancer-predisposing syndrome. Also called: Hereditary Cancer Syndrome; Hereditary neoplastic syndrome; Tumor predisposition; Neoplastic Syndromes, Hereditary. Identifiers: Orphanet 140162, MedGen C0027672, MeSH D009386, MONDO:0015356.
Cardiovascular phenotype. Identifiers: MedGen CN230736.

Allele frequency attached by ClinVar (database versions not stated): gnomAD 0.00001.

Submissions (2):

Labcorp Genetics (formerly Invitae), Labcorp
Classification: Uncertain significance. Last evaluated: 2025-07-15. Review status: criteria provided, single submitter. Criteria: Invitae Variant Classification Sherloc (09022015). Collection method: clinical testing. Allele origin: germline.
Comment: This sequence change falls in intron 19 of the LZTR1 gene. It does not directly change the encoded amino acid sequence of the LZTR1 protein. This variant is present in population databases (no rsID available, gnomAD 0.06%). This variant has not been reported in the literature in individuals affected with LZTR1-related conditions. ClinVar contains an entry for this variant (Variation ID: 1789650). Algorithms developed to predict the effect of sequence changes on RNA splicing suggest that this variant may disrupt the consensus splice site. In summary, the available evidence is currently insufficient to determine the role of this variant in disease. Therefore, it has been classified as a Variant of Uncertain Significance.

Ambry Genetics
Classification: Uncertain significance for Cardiovascular phenotype; Hereditary cancer-predisposing syndrome. Last evaluated: 2025-02-15. Review status: criteria provided, single submitter. Criteria: Ambry Variant Classification Scheme 2023. Collection method: clinical testing. Allele origin: germline.
Comment: The c.2326-5T>C intronic variant results from a T to C substitution 5 nucleotides upstream from coding exon 20 in the LZTR1 gene. This nucleotide position is well conserved in available vertebrate species. In silico splice site analysis for this alteration is inconclusive. Since supporting evidence is limited at this time, the clinical significance of this alteration remains unclear.

NM_006767.4(LZTR1):c.2326-5T>C

Gene: LZTR1 (leucine zipper like post translational regulator 1; plus strand). Cytogenetic location: 22q11.21.
Variant type: single nucleotide variant.
Coding change: c.2326-5T>C on transcript NM_006767.4 (MANE Select); 5 bases into the intron before coding-DNA position 2326, T replaced by C.
Molecular consequence: intron variant.
Genome position (GRCh38, 1-based): chr22:20,996,881, T>C. VCF-style: chr22-20996881-T-C. GRCh37 (hg19) VCF-style: chr22-21351170-T-C.
Identifiers: ClinVar variation 1789650 (VCV001789650.5), dbSNP rs1412999901, ClinGen allele CA638942622.